The following is an entry in ClinVar:

ClinVar aggregate classification (germline): Uncertain significance. Review status: criteria provided, multiple submitters, no conflicts (2 of 4 stars). 2 submissions from 2 submitters: Uncertain significance (2). Last evaluated 2026-01-05.

Conditions:
Jeune thoracic dystrophy. Also called: Jeune syndrome; Infantile thoracic dystrophy; Thoracic pelvic phalangeal dystrophy; Jeune's syndrome; Chondroectodermal dysplasia-like syndrome; Short-rib thoracic dysplasia. Identifiers: Orphanet 474, MedGen C0265275, MONDO:0018770.
Asphyxiating thoracic dystrophy 2 (SRTD2). Also called: SHORT-RIB THORACIC DYSPLASIA 2 WITH POLYDACTYLY; SHORT-RIB THORACIC DYSPLASIA 2 WITHOUT POLYDACTYLY; SHORT-RIB THORACIC DYSPLASIA 2 WITH OR WITHOUT POLYDACTYLY. Identifiers: Orphanet 474, MedGen C1970005, MONDO:0012644, OMIM 611263.

Allele frequency attached by ClinVar (database versions not stated): TOPMed below 0.00001; ExAC 0.00002; gnomAD 0.00003 and 0.00004.
gnomAD v4.1: 23 of 1,613,766 alleles (0.0014%); highest among the groups gnomAD compares: South Asian, 0.0066%; no homozygotes.

Submissions (2):

Labcorp Genetics (formerly Invitae), Labcorp
Classification: Uncertain significance for Jeune thoracic dystrophy. Last evaluated: 2026-01-05. Review status: criteria provided, single submitter. Criteria: Invitae Variant Classification Sherloc (09022015). Collection method: clinical testing. Allele origin: germline.
Comment: This sequence change replaces arginine, which is basic and polar, with histidine, which is basic and polar, at codon 220 of the IFT80 protein (p.Arg220His). This variant is present in population databases (rs754818191, gnomAD 0.009%). This variant has not been reported in the literature in individuals affected with IFT80-related conditions. ClinVar contains an entry for this variant (Variation ID: 1002868). Invitae Evidence Modeling of protein sequence and biophysical properties (such as structural, functional, and spatial information, amino acid conservation, physicochemical variation, residue mobility, and thermodynamic stability) indicates that this missense variant is not expected to disrupt IFT80 protein function with a negative predictive value of 80%. In summary, the available evidence is currently insufficient to determine the role of this variant in disease. Therefore, it has been classified as a Variant of Uncertain Significance.

Fulgent Genetics
Classification: Uncertain significance for Asphyxiating thoracic dystrophy 2. Last evaluated: 2024-04-03. Review status: criteria provided, single submitter. Criteria: ACMG Guidelines, 2015. Collection method: clinical testing. Allele origin: germline.

NM_020800.3(IFT80):c.659G>A (p.Arg220His)

Genes: IFT80 (intraflagellar transport 80; minus strand), TRIM59-IFT80 (TRIM59-IFT80 readthrough (NMD candidate); minus strand). Cytogenetic location: 3q25.33.
Variant type: single nucleotide variant.
Coding change: c.659G>A on transcript NM_020800.3 (MANE Select); coding-DNA position 659, G replaced by A.
Protein change: p.Arg220His; replaces arginine 220 with histidine.
Molecular consequence: missense variant. On other transcripts: non-coding transcript variant (3).
Genome position (GRCh38, 1-based): chr3:160,356,131, C>T on the plus strand (G>A on the coding strand, the complement: IFT80 is on the minus strand). VCF-style: chr3-160356131-C-T. GRCh37 (hg19) VCF-style: chr3-160073919-C-T.
Other names: c.248G>A, p.Arg83His (NM_001190241.2, NM_001190242.2); short protein forms R220H, R83H.
Identifiers: ClinVar variation 1002868 (VCV001002868.8), dbSNP rs754818191, ClinGen allele CA2685402.